The following is an entry in ClinVar:

ClinVar aggregate classification (germline): Uncertain significance (1 of 4 stars; one submission).

Conditions:
Duchenne muscular dystrophy (DMD). Also called: MUSCULAR DYSTROPHY, PSEUDOHYPERTROPHIC PROGRESSIVE, DUCHENNE TYPE; Duchenne Muscular Dystrophy (DMD). Identifiers: Orphanet 98896, MedGen C0013264, MONDO:0010679, OMIM 310200.

gnomAD v4.1: 1 of 1,205,640 alleles (0.000083%); highest among the groups gnomAD compares: East Asian, 0.003%; no homozygotes.

Submission:

Labcorp Genetics (formerly Invitae), Labcorp
Classification: Uncertain significance for Duchenne muscular dystrophy. Last evaluated: 2026-01-14. Review status: criteria provided, single submitter. Criteria: Invitae Variant Classification Sherloc (09022015). Collection method: clinical testing. Allele origin: germline.
Comment: This sequence change replaces proline, which is neutral and non-polar, with leucine, which is neutral and non-polar, at codon 223 of the DMD protein (p.Pro223Leu). This variant is not present in population databases (gnomAD no frequency). This variant has not been reported in the literature in individuals affected with DMD-related conditions. Invitae Evidence Modeling of protein sequence and biophysical properties (such as structural, functional, and spatial information, amino acid conservation, physicochemical variation, residue mobility, and thermodynamic stability) has been performed for this missense variant. However, the output from this modeling did not meet the statistical confidence thresholds required to predict the impact of this variant on DMD protein function. In summary, the available evidence is currently insufficient to determine the role of this variant in disease. Therefore, it has been classified as a Variant of Uncertain Significance.

NM_004006.3(DMD):c.668C>T (p.Pro223Leu)

Gene: DMD (dystrophin; minus strand). Cytogenetic location: Xp21.1.
Variant type: single nucleotide variant.
Coding change: c.668C>T on transcript NM_004006.3 (MANE Select); coding-DNA position 668, C replaced by T.
Protein change: p.Pro223Leu; replaces proline 223 with leucine.
Molecular consequence: missense variant.
Genome position (GRCh38, 1-based): chrX:32,699,275, G>A on the plus strand (C>T on the coding strand, the complement: DMD is on the minus strand). VCF-style: chrX-32699275-G-A. GRCh37 (hg19) VCF-style: chrX-32717392-G-A.
Other names: c.644C>T, p.Pro215Leu (NM_000109.4); c.656C>T, p.Pro219Leu (NM_004009.3); c.299C>T, p.Pro100Leu (NM_004010.3); short protein forms P100L, P215L, P219L, P223L.
Identifiers: ClinVar variation 4702208 (VCV004702208.1).
Genomic context (GRCh38, chrX:32,699,275, plus strand): 5'-ACTTGTTGAGGCAAAACTTGGAAGAGTGATGTGATGTACATTAAGATGGACTTCTTATCT[G>A]GATAGGTGGTATCAACATCTGTAAGCACATTAACACTACACATCAATTTTTGGTTTCTAT-3'
Protein context (NP_003997.2, residues 213-233): LDPEDVDTTY[Pro223Leu]DKKSILMYIT